The following is an entry in ClinVar:

NM_002979.5(SCP2):c.278A>G (p.Asn93Ser)

Gene: SCP2 (sterol carrier protein 2; plus strand). Cytogenetic location: 1p32.3.
Variant type: single nucleotide variant.
Coding change: c.278A>G on transcript NM_002979.5 (MANE Select); coding-DNA position 278, A replaced by G.
Protein change: p.Asn93Ser; replaces asparagine 93 with serine.
Molecular consequence: missense variant. On other transcripts: intron variant (2).
Genome position (GRCh38, 1-based): chr1:52,950,833, A>G. VCF-style: chr1-52950833-A-G. GRCh37 (hg19) VCF-style: chr1-53416505-A-G.
Other names: c.278A>G (NM_002979.4); c.206A>G, p.Asn69Ser (NM_001193599.2); c.35A>G, p.Asn12Ser (NM_001193617.2); c.278A>G, p.Asn93Ser (NM_001330587.2); c.199+2753A>G (NM_001193600.2, NM_001007098.3); short protein forms N69S, N93S, N12S.
Identifiers: ClinVar variation 1411009 (VCV001411009.8), dbSNP rs200302137, ClinGen allele CA857065.

ClinVar aggregate classification (germline): Uncertain significance. Review status: criteria provided, multiple submitters, no conflicts (2 of 4 stars). 3 submissions from 3 submitters: Uncertain significance (3). Last evaluated 2026-04-23.

Conditions:
SCP2-related disorder. Also called: SCP2-related condition.

Allele frequency attached by ClinVar (database versions not stated): ExAC 0.00006; gnomAD exomes 0.00006; TOPMed 0.00006; gnomAD 0.00008 and 0.00009; 1000 Genomes Project 30x 0.00016; 1000 Genomes Project 0.00020.
gnomAD v4.1: 164 of 1,613,992 alleles (0.01%); highest among the groups gnomAD compares: Non-Finnish European, 0.013%; no homozygotes.

Submissions (3):

PreventionGenetics, part of Exact Sciences
Classification: Uncertain significance for SCP2-related condition. Last evaluated: 2026-04-23. Review status: criteria provided, single submitter. Criteria: ACMG Guidelines, 2015. Collection method: clinical testing. Allele origin: germline.
Comment: The SCP2 c.278A>G variant is predicted to result in the amino acid substitution p.Asn93Ser. To our knowledge, this variant has not been reported in the literature. This variant is reported in 0.012% of alleles in individuals of European (Non-Finnish) descent in gnomAD. At this time, the clinical significance of this variant is uncertain due to the absence of conclusive functional and genetic evidence.

Labcorp Genetics (formerly Invitae), Labcorp
Classification: Uncertain significance. Last evaluated: 2025-06-20. Review status: criteria provided, single submitter. Criteria: Invitae Variant Classification Sherloc (09022015). Collection method: clinical testing. Allele origin: germline.
Comment: This sequence change replaces asparagine, which is neutral and polar, with serine, which is neutral and polar, at codon 93 of the SCP2 protein (p.Asn93Ser). This variant is present in population databases (rs200302137, gnomAD 0.01%). This variant has not been reported in the literature in individuals affected with SCP2-related conditions. ClinVar contains an entry for this variant (Variation ID: 1411009). An algorithm developed to predict the effect of missense changes on protein structure and function (PolyPhen-2) suggests that this variant is likely to be disruptive. In summary, the available evidence is currently insufficient to determine the role of this variant in disease. Therefore, it has been classified as a Variant of Uncertain Significance.

Ambry Genetics
Classification: Uncertain significance. Last evaluated: 2022-05-09. Review status: criteria provided, single submitter. Criteria: Ambry Variant Classification Scheme 2023. Collection method: clinical testing. Allele origin: germline.